The following is an entry in ClinVar:

NM_152416.4(NDUFAF6):c.104G>A (p.Arg35Gln)

Genes: NDUFAF6 (NADH:ubiquinone oxidoreductase complex assembly factor 6; plus strand), LOC113788297 (Sharpr-MPRA regulatory region 2014; plus strand). Cytogenetic location: 8q22.1.
Variant type: single nucleotide variant.
Coding change: c.104G>A on transcript NM_152416.4 (MANE Select); coding-DNA position 104, G replaced by A.
Protein change: p.Arg35Gln; replaces arginine 35 with glutamine.
Molecular consequence: missense variant. On other transcripts: 5 prime UTR variant (12), non-coding transcript variant (6), intron variant (7).
Genome position (GRCh38, 1-based): chr8:95,025,112, G>A. VCF-style: chr8-95025112-G-A. GRCh37 (hg19) VCF-style: chr8-96037340-G-A.
Other names: c.-177G>A (NM_001330582.2, NM_001354521.2); c.-130G>A (NM_001354517.2); c.-349G>A (NM_001354518.2); c.-345G>A (NM_001354519.2); c.-694G>A (NM_001354527.2); c.-665G>A (NM_001354528.2); c.-477G>A (NM_001354529.2); c.-579G>A (NM_001354530.2); and 8 more; short protein forms R35Q.
Identifiers: ClinVar variation 1443113 (VCV001443113.4), dbSNP rs766018030, ClinGen allele CA4814679.

ClinVar aggregate classification (germline): Uncertain significance (1 of 4 stars; one submission).

Allele frequency attached by ClinVar (database versions not stated): TOPMed below 0.00001; gnomAD 0.00001.
gnomAD v4.1: 3 of 1,478,960 alleles (0.0002%); highest among the groups gnomAD compares: African/African-American, 0.0015%; no homozygotes.

Submission:

Labcorp Genetics (formerly Invitae), Labcorp
Classification: Uncertain significance. Last evaluated: 2021-12-02. Review status: criteria provided, single submitter. Criteria: Invitae Variant Classification Sherloc (09022015). Collection method: clinical testing. Allele origin: germline.
Comment: In summary, the available evidence is currently insufficient to determine the role of this variant in disease. Therefore, it has been classified as a Variant of Uncertain Significance. Algorithms developed to predict the effect of sequence changes on RNA splicing suggest that this variant may create or strengthen a splice site. Algorithms developed to predict the effect of missense changes on protein structure and function (SIFT, PolyPhen-2, Align-GVGD) all suggest that this variant is likely to be tolerated. This variant has not been reported in the literature in individuals affected with NDUFAF6-related conditions. This variant is not present in population databases (gnomAD no frequency). This sequence change replaces arginine, which is basic and polar, with glutamine, which is neutral and polar, at codon 35 of the NDUFAF6 protein (p.Arg35Gln).